The following is an entry in ClinVar:

ClinVar aggregate classification (germline): Uncertain significance. Review status: criteria provided, multiple submitters, no conflicts (2 of 4 stars). 3 submissions from 3 submitters: Uncertain significance (3). Last evaluated 2024-12-10.

Conditions:
Biotin-responsive basal ganglia disease (BTBGD). Also called: thiamine-responsive encephalopathy; Thiamine metabolism dysfunction syndrome type 2; Thiamine metabolism dysfunction syndrome 2 (biotin- or thiamine-responsive encephalopathy type 2); THIAMINE METABOLISM DYSFUNCTION SYNDROME 2 (BIOTIN- AND THIAMINE-RESPONSIVE TYPE); Thiamine Transporter-2 Deficiency. Identifiers: Orphanet 199348, Orphanet 65284, MedGen C1843807, MONDO:0011841, OMIM 607483.

Allele frequency attached by ClinVar (database versions not stated): ExAC 0.00001; gnomAD 0.00001; gnomAD exomes 0.00001 and 0.00002; TOPMed 0.00008.
gnomAD v4.1: 10 of 1,614,084 alleles (0.00062%); highest among the groups gnomAD compares: Admixed American, 0.013%; no homozygotes.

Submissions (3):

GeneDx
Classification: Uncertain significance. Last evaluated: 2024-12-10. Review status: criteria provided, single submitter. Criteria: GeneDx Variant Classification Process June 2021. Collection method: clinical testing. Allele origin: germline. Affected: yes.
Comment: Has not been previously published as pathogenic or benign to our knowledge; In silico analysis indicates that this missense variant does not alter protein structure/function; Not observed at significant frequency in large population cohorts (gnomAD)

Blueprint Genetics
Classification: Uncertain significance. Last evaluated: 2022-09-30. Review status: criteria provided, single submitter. Criteria: ACMG Guidelines, 2015. Collection method: clinical testing. Allele origin: germline.

Labcorp Genetics (formerly Invitae), Labcorp
Classification: Uncertain significance for Biotin-responsive basal ganglia disease. Last evaluated: 2022-09-01. Review status: criteria provided, single submitter. Criteria: Invitae Variant Classification Sherloc (09022015). Collection method: clinical testing. Allele origin: germline.
Comment: This sequence change replaces proline, which is neutral and non-polar, with alanine, which is neutral and non-polar, at codon 233 of the SLC19A3 protein (p.Pro233Ala). This variant is present in population databases (rs756864477, gnomAD 0.01%). This variant has not been reported in the literature in individuals affected with SLC19A3-related conditions. ClinVar contains an entry for this variant (Variation ID: 464954). Advanced modeling of protein sequence and biophysical properties (such as structural, functional, and spatial information, amino acid conservation, physicochemical variation, residue mobility, and thermodynamic stability) performed at Invitae indicates that this missense variant is not expected to disrupt SLC19A3 protein function. In summary, the available evidence is currently insufficient to determine the role of this variant in disease. Therefore, it has been classified as a Variant of Uncertain Significance.

NM_025243.4(SLC19A3):c.697C>G (p.Pro233Ala)

Gene: SLC19A3 (solute carrier family 19 member 3; minus strand). Cytogenetic location: 2q36.3.
Variant type: single nucleotide variant.
Coding change: c.697C>G on transcript NM_025243.4 (MANE Select); coding-DNA position 697, C replaced by G.
Protein change: p.Pro233Ala; replaces proline 233 with alanine.
Molecular consequence: missense variant.
Genome position (GRCh38, 1-based): chr2:227,699,018, G>C on the plus strand (C>G on the coding strand, the complement: SLC19A3 is on the minus strand). VCF-style: chr2-227699018-G-C. GRCh37 (hg19) VCF-style: chr2-228563734-G-C.
Other names: short protein forms P233A.
Identifiers: ClinVar variation 464954 (VCV000464954.7), dbSNP rs756864477, ClinGen allele CA2149244.